The following is an entry in ClinVar:

NM_006785.4(MALT1):c.2342G>A (p.Arg781Gln)

Gene: MALT1 (MALT1 paracaspase; plus strand). Cytogenetic location: 18q21.32.
Variant type: single nucleotide variant.
Coding change: c.2342G>A on transcript NM_006785.4 (MANE Select); coding-DNA position 2342, G replaced by A.
Protein change: p.Arg781Gln; replaces arginine 781 with glutamine.
Molecular consequence: missense variant.
Genome position (GRCh38, 1-based): chr18:58,747,709, G>A. VCF-style: chr18-58747709-G-A. GRCh37 (hg19) VCF-style: chr18-56414941-G-A.
Other names: c.2309G>A, p.Arg770Gln (NM_173844.3); short protein forms R781Q, R770Q.
Identifiers: ClinVar variation 964760 (VCV000964760.6), dbSNP rs375148474, ClinGen allele CA8978094.

ClinVar aggregate classification (germline): Uncertain significance. Review status: criteria provided, multiple submitters, no conflicts (2 of 4 stars). 2 submissions from 2 submitters: Uncertain significance (2). Last evaluated 2022-08-21.

Conditions:
Combined immunodeficiency due to MALT1 deficiency. Also called: Immunodeficiency 12. Identifiers: Orphanet 397964, MedGen C3809583, MONDO:0014197, OMIM 615468.

Allele frequency attached by ClinVar (database versions not stated): gnomAD 0.00002; ESP Exome Variant Server 0.00008; ExAC 0.00001; TOPMed 0.00007; gnomAD exomes 0.00004.
gnomAD v4.1: 57 of 1,613,966 alleles (0.0035%); highest among the groups gnomAD compares: Middle Eastern, 0.033%; no homozygotes.

Submissions (2):

Labcorp Genetics (formerly Invitae), Labcorp
Classification: Uncertain significance for Combined immunodeficiency due to MALT1 deficiency. Last evaluated: 2022-08-21. Review status: criteria provided, single submitter. Criteria: Invitae Variant Classification Sherloc (09022015). Collection method: clinical testing. Allele origin: germline.
Comment: This sequence change replaces arginine, which is basic and polar, with glutamine, which is neutral and polar, at codon 781 of the MALT1 protein (p.Arg781Gln). This variant is present in population databases (rs375148474, gnomAD 0.01%). This variant has not been reported in the literature in individuals affected with MALT1-related conditions. ClinVar contains an entry for this variant (Variation ID: 964760). Algorithms developed to predict the effect of missense changes on protein structure and function output the following: SIFT: "Tolerated"; PolyPhen-2: "Benign"; Align-GVGD: "Class C0". The glutamine amino acid residue is found in multiple mammalian species, which suggests that this missense change does not adversely affect protein function. In summary, the available evidence is currently insufficient to determine the role of this variant in disease. Therefore, it has been classified as a Variant of Uncertain Significance.

Breakthrough Genomics
Classification: Uncertain significance. Review status: criteria provided, single submitter. Criteria: ACMG Guidelines, 2015. Collection method: not provided. Allele origin: germline. Inheritance: Autosomal recessive inheritance. Affected: yes.